The following is an entry in ClinVar:

ClinVar aggregate classification (germline): Uncertain significance. Review status: criteria provided, multiple submitters, no conflicts (2 of 4 stars). 2 submissions from 2 submitters: Uncertain significance (2). Last evaluated 2023-10-04.

Conditions:
CBL-related disorder. Also called: NOONAN SYNDROME-LIKE DISORDER WITHOUT JUVENILE MYELOMONOCYTIC LEUKEMIA; CBL MUTATION-ASSOCIATED SYNDROME; CBL SYNDROME. Identifiers: Orphanet 363972, MedGen C3150803, MONDO:0013308, OMIM 613563.
RASopathy. Also called: Noonan spectrum disorder; rasopathies. Identifiers: Orphanet 536391, MedGen C5555857, MONDO:0021060.

Submissions (2):

Labcorp Genetics (formerly Invitae), Labcorp
Classification: Uncertain significance for RASopathy. Last evaluated: 2023-10-04. Review status: criteria provided, single submitter. Criteria: Invitae Variant Classification Sherloc (09022015). Collection method: clinical testing. Allele origin: germline.
Comment: This sequence change falls in intron 3 of the CBL gene. It does not directly change the encoded amino acid sequence of the CBL protein. It affects a nucleotide within the consensus splice site. This variant is not present in population databases (gnomAD no frequency). This variant has not been reported in the literature in individuals affected with CBL-related conditions. Variants that disrupt the consensus splice site are a relatively common cause of aberrant splicing (PMID: 17576681, 9536098). Algorithms developed to predict the effect of sequence changes on RNA splicing suggest that this variant may disrupt the consensus splice site. In summary, the available evidence is currently insufficient to determine the role of this variant in disease. Therefore, it has been classified as a Variant of Uncertain Significance.

PreventionGenetics, part of Exact Sciences
Classification: Uncertain significance for CBL-related condition. Last evaluated: 2022-09-28. Review status: criteria provided, single submitter. Criteria: ACMG Guidelines, 2015. Collection method: clinical testing. Allele origin: germline.
Comment: The CBL c.590+3A>C variant is predicted to interfere with splicing. This variant is predicted to weaken the canonical splice donor site (Alamut Visual Plus v1.6.1). To our knowledge, this variant has not been reported in the literature or in a large population database, indicating this variant is rare. At this time, the clinical significance of this variant is uncertain due to the absence of conclusive functional and genetic evidence.

Literature cited by the submitters: PubMed 17576681 (cited by Labcorp Genetics (formerly Invitae), Labcorp); PubMed 9536098 (cited by Labcorp Genetics (formerly Invitae), Labcorp).

NM_005188.4(CBL):c.590+3A>C

Gene: CBL (Cbl proto-oncogene; plus strand). Cytogenetic location: 11q23.3.
Variant type: single nucleotide variant.
Coding change: c.590+3A>C on transcript NM_005188.4 (MANE Select); 3 bases into the intron after coding-DNA position 590, A replaced by C.
Molecular consequence: intron variant.
Genome position (GRCh38, 1-based): chr11:119,271,884, A>C. VCF-style: chr11-119271884-A-C. GRCh37 (hg19) VCF-style: chr11-119142594-A-C.
Identifiers: ClinVar variation 2628411 (VCV002628411.4), dbSNP rs2496927627, ClinGen allele CA2695199039.